The following is an entry in ClinVar:

ClinVar aggregate classification (germline): Uncertain significance (1 of 4 stars; one submission).

Conditions:
Acrofacial dysostosis Cincinnati type. Identifiers: Orphanet 1200, MedGen C4225317, MONDO:0014651, OMIM 616462.

gnomAD v4.1: 1 of 1,607,252 alleles (0.000062%); highest among the groups gnomAD compares: Non-Finnish European, 0.000085%; no homozygotes.

Submission:

Diagnostics Services (NGS), CSIR - Centre For Cellular And Molecular Biology
Classification: Uncertain significance for Acrofacial dysostosis Cincinnati type. Last evaluated: 2026-03-03. Review status: criteria provided, single submitter. Criteria: ACMG Guidelines, 2015. Collection method: clinical testing. Allele origin: germline. Observed: 1 variant allele, 1 heterozygote.
Comment: The c.524G>A variant is not present in publicly available population databases like 1000 Genomes, EVS, gnomAD, Indian Exome Database or in our internal database. This variant has neither been published in the literature for POLR1A-related conditions nor reported to clinical databases like Human Genome Mutation Database (HGMD), ClinVar or OMIM, in any affected individuals. Predictions from different in-silico pathogenicity prediction programs like SIFT, PolyPhen-2, MutationTaster2, CADD, Varsome, Franklin etc. are contradictory.

NM_015425.6(POLR1A):c.524G>A (p.Gly175Glu)

Gene: POLR1A (RNA polymerase I subunit A; minus strand). Cytogenetic location: 2p11.2.
Variant type: single nucleotide variant.
Coding change: c.524G>A on transcript NM_015425.6 (MANE Select); coding-DNA position 524, G replaced by A.
Protein change: p.Gly175Glu; replaces glycine 175 with glutamic acid.
Molecular consequence: missense variant.
Genome position (GRCh38, 1-based): chr2:86,089,838, C>T on the plus strand (G>A on the coding strand, the complement: POLR1A is on the minus strand). VCF-style: chr2-86089838-C-T. GRCh37 (hg19) VCF-style: chr2-86316961-C-T.
Other names: short protein forms G175E.
Identifiers: ClinVar variation 4849713 (VCV004849713.1).
Genomic context (GRCh38, chr2:86,089,838, plus strand): 5'-AATGATGCCCAAAACAGCATGGGAGAAAGACAGTGTTAACTCACATGTGCGCCCTGGGAC[C>T]CCAGGAGGTTGTTCTGCACAATTTCAGTTGTGTATTGTTCTAATTCCTCCCGAATTTCAG-3'
Protein context (NP_056240.2, residues 165-185): TTEIVQNNLL[Gly175Glu]SQGAHVKNVC